The following is an entry in ClinVar:

ClinVar aggregate classification (germline): Uncertain significance (1 of 4 stars; one submission).

Conditions:
Glycogen storage disease, type V (GSD5). Also called: PYGM DEFICIENCY; MCARDLE DISEASE; MUSCLE GLYCOGEN PHOSPHORYLASE DEFICIENCY; MYOPHOSPHORYLASE DEFICIENCY; McArdle type glycogen storage disease. Identifiers: Orphanet 368, MedGen C0017924, MONDO:0009293, OMIM 232600.

Submission:

Labcorp Genetics (formerly Invitae), Labcorp
Classification: Uncertain significance for Glycogen storage disease, type V. Last evaluated: 2020-01-30. Review status: criteria provided, single submitter. Criteria: Invitae Variant Classification Sherloc (09022015). Collection method: clinical testing. Allele origin: germline.
Comment: In summary, the available evidence is currently insufficient to determine the role of this variant in disease. Therefore, it has been classified as a Variant of Uncertain Significance. Algorithms developed to predict the effect of missense changes on protein structure and function are either unavailable or do not agree on the potential impact of this missense change (SIFT: "Not Available"; PolyPhen-2: "Possibly Damaging"; Align-GVGD: "Not Available"). This variant has not been reported in the literature in individuals with PYGM-related conditions. This variant is not present in population databases (ExAC no frequency). This sequence change replaces serine with arginine at codon 789 of the PYGM protein (p.Ser789Arg). The serine residue is moderately conserved and there is a moderate physicochemical difference between serine and arginine.

NM_005609.4(PYGM):c.2367C>G (p.Ser789Arg)

Gene: PYGM (glycogen phosphorylase, muscle associated; minus strand). Cytogenetic location: 11q13.1.
Variant type: single nucleotide variant.
Coding change: c.2367C>G on transcript NM_005609.4 (MANE Select); coding-DNA position 2367, C replaced by G.
Protein change: p.Ser789Arg; replaces serine 789 with arginine.
Molecular consequence: missense variant.
Genome position (GRCh38, 1-based): chr11:64,746,933, G>C on the plus strand (C>G on the coding strand, the complement: PYGM is on the minus strand). VCF-style: chr11-64746933-G-C. GRCh37 (hg19) VCF-style: chr11-64514405-G-C.
Other names: c.2103C>G, p.Ser701Arg (NM_001164716.1); short protein forms S701R, S789R.
Identifiers: ClinVar variation 1051523 (VCV001051523.7), dbSNP rs750356895, ClinGen allele CA381164181.